The following is an entry in ClinVar:

NM_000092.5(COL4A4):c.3533G>C (p.Gly1178Ala)

Gene: COL4A4 (collagen type IV alpha 4 chain; minus strand). Cytogenetic location: 2q36.3.
Variant type: single nucleotide variant.
Coding change: c.3533G>C on transcript NM_000092.5 (MANE Select); coding-DNA position 3533, G replaced by C.
Protein change: p.Gly1178Ala; replaces glycine 1178 with alanine.
Molecular consequence: missense variant.
Genome position (GRCh38, 1-based): chr2:227,033,454, C>G on the plus strand (G>C on the coding strand, the complement: COL4A4 is on the minus strand). VCF-style: chr2-227033454-C-G. GRCh37 (hg19) VCF-style: chr2-227898170-C-G.
Other names: short protein forms G1178A.
Identifiers: ClinVar variation 4817334 (VCV004817334.1).

ClinVar aggregate classification (germline): Likely pathogenic (1 of 4 stars; one submission).

Conditions:
Alport syndrome. Also called: Hemorrhagic familial nephritis; Hemorrhagic hereditary nephritis; Congenital hereditary hematuria. Identifiers: Orphanet 63, MedGen C1567741, MONDO:0018965.

Submission:

Natera, Inc.
Classification: Likely pathogenic for Alport syndrome. Last evaluated: 2025-09-04. Review status: criteria provided, single submitter. Criteria: Natera Variant Classification Schema (03/2026). Collection method: clinical testing. Allele origin: germline.
Comment: The c.3533G>C variant in COL4A4 is a missense variant predicted to cause substitution of glycine to alanine at amino acid 1178. This variant is rare in the general population with a frequency below the threshold expected for the associated phenotype(s). This variant is located in a functionally critical region of the protein. Computational prediction algorithms indicate this variant is likely to affect gene or protein function. Given the available evidence, this variant is classified as Likely Pathogenic.